The following is an entry in ClinVar:

NM_015072.5(TTLL5):c.586C>G (p.Pro196Ala)

Gene: TTLL5 (tubulin tyrosine ligase like 5; plus strand). Cytogenetic location: 14q24.3.
Variant type: single nucleotide variant.
Coding change: c.586C>G on transcript NM_015072.5 (MANE Select); coding-DNA position 586, C replaced by G.
Protein change: p.Pro196Ala; replaces proline 196 with alanine.
Molecular consequence: missense variant.
Genome position (GRCh38, 1-based): chr14:75,707,018, C>G. VCF-style: chr14-75707018-C-G. GRCh37 (hg19) VCF-style: chr14-76173361-C-G.
Other names: short protein forms P196A.
Identifiers: ClinVar variation 1353335 (VCV001353335.8), dbSNP rs936113944, ClinGen allele CA263682552.

ClinVar aggregate classification (germline): Uncertain significance. Review status: criteria provided, multiple submitters, no conflicts (2 of 4 stars). 2 submissions from 2 submitters: Uncertain significance (2). Last evaluated 2024-02-24.

Allele frequency attached by ClinVar (database versions not stated): gnomAD 0.00001; TOPMed 0.00002.
gnomAD v4.1: 1 of 1,608,042 alleles (0.000062%); highest among the groups gnomAD compares: East Asian, 0.0022%; no homozygotes.

Submissions (2):

Labcorp Genetics (formerly Invitae), Labcorp
Classification: Uncertain significance. Last evaluated: 2024-02-24. Review status: criteria provided, single submitter. Criteria: Invitae Variant Classification Sherloc (09022015). Collection method: clinical testing. Allele origin: germline.
Comment: This sequence change replaces proline, which is neutral and non-polar, with alanine, which is neutral and non-polar, at codon 196 of the TTLL5 protein (p.Pro196Ala). This variant is not present in population databases (gnomAD no frequency). This variant has not been reported in the literature in individuals affected with TTLL5-related conditions. ClinVar contains an entry for this variant (Variation ID: 1353335). An algorithm developed to predict the effect of missense changes on protein structure and function (PolyPhen-2) suggests that this variant is likely to be disruptive. In summary, the available evidence is currently insufficient to determine the role of this variant in disease. Therefore, it has been classified as a Variant of Uncertain Significance.

Blueprint Genetics
Classification: Uncertain significance. Last evaluated: 2022-06-03. Review status: criteria provided, single submitter. Criteria: ACMG Guidelines, 2015. Collection method: clinical testing. Allele origin: germline.